The following is an entry in ClinVar:

NC_000008.11:g.(?_89935582)_(89984561_?)dup

Gene: NBN (nibrin; minus strand). Cytogenetic location: 8q21.3.
Variant type: Duplication.
Identifiers: ClinVar variation 830424 (VCV000830424.2).

ClinVar aggregate classification (germline): Uncertain significance (1 of 4 stars; one submission).

Conditions:
Microcephaly, normal intelligence and immunodeficiency (NBS). Also called: Nijmegen breakage syndrome; Microcephaly with normal intelligence immunodeficiency and lymphoreticular malignancies; Nonsyndromal microcephaly autosomal recessive with normal intelligence; Seemanova syndrome 2; Ataxia telangiectasia variant V1; BERLIN BREAKAGE SYNDROME. Identifiers: Orphanet 647, MedGen C0398791, MONDO:0009623, OMIM 251260.

Submission:

Labcorp Genetics (formerly Invitae), Labcorp
Classification: Uncertain significance for Microcephaly, normal intelligence and immunodeficiency. Last evaluated: 2022-10-24. Review status: criteria provided, single submitter. Criteria: Invitae Variant Classification Sherloc (09022015). Collection method: clinical testing. Allele origin: germline.
Comment: A copy number gain of the genomic region encompassing the full coding sequence of the NBN gene has been identified. The boundaries of this event are unknown as they extend beyond the assayed region for this gene and therefore may encompass additional genes. As the precise location of this event is unknown, it may be in tandem or it may be located elsewhere in the genome. This variant has not been reported in the literature in individuals affected with NBN-related conditions. Experimental studies and prediction algorithms are not available or were not evaluated, and the functional significance of this variant is currently unknown. In summary, the available evidence is currently insufficient to determine the role of this variant in disease. Therefore, it has been classified as a Variant of Uncertain Significance.